The following is an entry in ClinVar:

ClinVar aggregate classification (germline): Uncertain significance (1 of 4 stars; one submission).

Conditions:
Familial thoracic aortic aneurysm and aortic dissection (TAAD). Also called: Thoracic aortic aneurysms and dissections. Identifiers: Orphanet 91387, MedGen C4707243, MONDO:0019625.

Allele frequency attached by ClinVar (database versions not stated): gnomAD exomes below 0.00001.
gnomAD v4.1: 1 of 1,614,110 alleles (0.000062%); highest among the groups gnomAD compares: African/African-American, 0.0013%; no homozygotes.

Submission:

Color Diagnostics, LLC DBA Color Health
Classification: Uncertain significance for Familial thoracic aortic aneurysm and aortic dissection. Last evaluated: 2023-04-23. Review status: criteria provided, single submitter. Criteria: ACMG Guidelines, 2015. Collection method: clinical testing. Allele origin: germline.
Comment: This missense variant replaces proline with alanine at codon 1090 of the FBN1 protein. Computational prediction is inconclusive regarding the impact of this variant on protein structure and function (internally defined REVEL score threshold 0.5 < inconclusive < 0.7, PMID: 27666373). To our knowledge, functional studies have not been reported for this variant. This variant has not been reported in individuals affected with FBN1-related disorders in the literature. This variant has not been identified in the general population by the Genome Aggregation Database (gnomAD). The available evidence is insufficient to determine the role of this variant in disease conclusively. Therefore, this variant is classified as a Variant of Uncertain Significance.

NM_000138.5(FBN1):c.3268C>G (p.Pro1090Ala)

Gene: FBN1 (fibrillin 1; minus strand). Cytogenetic location: 15q21.1.
Variant type: single nucleotide variant.
Coding change: c.3268C>G on transcript NM_000138.5 (MANE Select); coding-DNA position 3268, C replaced by G.
Protein change: p.Pro1090Ala; replaces proline 1090 with alanine.
Molecular consequence: missense variant.
Genome position (GRCh38, 1-based): chr15:48,488,182, G>C on the plus strand (C>G on the coding strand, the complement: FBN1 is on the minus strand). VCF-style: chr15-48488182-G-C. GRCh37 (hg19) VCF-style: chr15-48780379-G-C.
Other names: c.3268C>G, p.Pro1090Ala (NM_001406716.1); short protein forms P1090A.
Identifiers: ClinVar variation 2773361 (VCV002773361.2), dbSNP rs1555398633, ClinGen allele CA392327368.